The following is an entry in ClinVar:

ClinVar aggregate classification (germline): Uncertain significance (1 of 4 stars; one submission).

Conditions:
Generalized epilepsy with febrile seizures plus, type 7 (GEFSP7). Also called: GEFS+, TYPE 7. Identifiers: Orphanet 36387, MedGen C2751778, MONDO:0013470, OMIM 613863.
Neuropathy, hereditary sensory and autonomic, type 2A (HSAN2A). Also called: ACROOSTEOLYSIS, GIACCAI TYPE; ACROOSTEOLYSIS, NEUROGENIC; MORVAN DISEASE; WNK1-Related HSAN2 (HSAN2A); NEUROPATHY, CONGENITAL SENSORY; NEUROPATHY, HEREDITARY SENSORY RADICULAR, AUTOSOMAL RECESSIVE. Identifiers: Orphanet 970, MedGen C2752089, MONDO:0024309, OMIM 201300.

Submission:

Labcorp Genetics (formerly Invitae), Labcorp
Classification: Uncertain significance for Neuropathy, hereditary sensory and autonomic, type 2A; Generalized epilepsy with febrile seizures plus, type 7. Last evaluated: 2021-02-22. Review status: criteria provided, single submitter. Criteria: Invitae Variant Classification Sherloc (09022015). Collection method: clinical testing. Allele origin: germline.
Comment: This sequence change replaces methionine with leucine at codon 941 of the SCN9A protein (p.Met941Leu). The methionine residue is highly conserved and there is a small physicochemical difference between methionine and leucine. This variant is not present in population databases (ExAC no frequency). This variant has not been reported in the literature in individuals with SCN9A-related conditions. Algorithms developed to predict the effect of missense changes on protein structure and function (SIFT, PolyPhen-2, Align-GVGD) all suggest that this variant is likely to be tolerated, but these predictions have not been confirmed by published functional studies and their clinical significance is uncertain. In summary, the available evidence is currently insufficient to determine the role of this variant in disease. Therefore, it has been classified as a Variant of Uncertain Significance.

NM_001365536.1(SCN9A):c.2854A>C (p.Met952Leu)

Genes: SCN1A-AS1 (SCN1A and SCN9A antisense RNA 1; plus strand), SCN9A (sodium voltage-gated channel alpha subunit 9; minus strand). Cytogenetic location: 2q24.3.
Variant type: single nucleotide variant.
Coding change: c.2854A>C on transcript NM_001365536.1 (MANE Select); coding-DNA position 2854, A replaced by C.
Protein change: p.Met952Leu; replaces methionine 952 with leucine.
Molecular consequence: missense variant.
Genome position (GRCh38, 1-based): chr2:166,277,003, T>G on the plus strand (A>C on the coding strand, the complement: SCN9A is on the minus strand). VCF-style: chr2-166277003-T-G. GRCh37 (hg19) VCF-style: chr2-167133513-T-G.
Other names: c.2821A>C, p.Met941Leu (NM_002977.4); short protein forms M941L, M952L.
Identifiers: ClinVar variation 1422507 (VCV001422507.8), dbSNP rs2106468624, ClinGen allele CA349076871.